The following is an entry in ClinVar:

NM_001009944.3(PKD1):c.3295+1G>A

Gene: PKD1 (polycystin 1, transient receptor potential channel interacting; minus strand). Cytogenetic location: 16p13.3.
Variant type: single nucleotide variant.
Coding change: c.3295+1G>A on transcript NM_001009944.3 (MANE Select); the canonical splice donor site of the intron after coding-DNA position 3295, G replaced by A.
Molecular consequence: splice donor variant.
Genome position (GRCh38, 1-based): chr16:2,112,339, C>T on the plus strand (G>A on the coding strand, the complement: PKD1 is on the minus strand). VCF-style: chr16-2112339-C-T. GRCh37 (hg19) VCF-style: chr16-2162340-C-T.
Other names: c.3295+1G>A (NM_000296.4).
Identifiers: ClinVar variation 3579614 (VCV003579614.3).

ClinVar aggregate classification (germline): Pathogenic/Likely pathogenic. Review status: criteria provided, multiple submitters, no conflicts (2 of 4 stars). 3 submissions from 3 submitters: Pathogenic (2); Likely pathogenic (1). Last evaluated 2026-09-10.

Conditions:
Polycystic kidney disease, adult type (PKD1). Also called: POLYCYSTIC KIDNEY DISEASE, ADULT, TYPE I; Polycystic Kidney Disease 1, Autosomal Dominant; Polycystic kidney disease 1; Polycystic kidney disease 1, severe; Polycystic Kidney, Autosomal Dominant; POLYCYSTIC KIDNEY DISEASE 1 WITH OR WITHOUT POLYCYSTIC LIVER DISEASE. Identifiers: MedGen C3149841, MONDO:0008263, OMIM 173900.
Autosomal dominant polycystic kidney disease. Identifiers: Orphanet 730, MedGen C0085413, MONDO:0004691.

Submissions (3):

Clinical Genetics Laboratory, Skane University Hospital Lund
Classification: Pathogenic for Autosomal dominant polycystic kidney disease. Last evaluated: 2026-09-10. Review status: criteria provided, single submitter. Criteria: ACMG Guidelines, 2015. Collection method: clinical testing. Allele origin: germline. Affected: yes.
Comment: ACMG criteria used: PVS1, PS4_moderate, PM2

Victorian Clinical Genetics Services, Murdoch Childrens Research Institute
Classification: Pathogenic for Polycystic kidney disease, adult type. Last evaluated: 2025-08-22. Review status: criteria provided, single submitter. Criteria: ACMG Guidelines, 2015. Collection method: clinical testing. Allele origin: germline. Affected: yes.
Comment: This variant is classified as Pathogenic. Evidence in support of pathogenic classification: Canonical splice site variant without proven consequence on splicing (no functional evidence available); Variant is absent from gnomAD (v2, v3 and v4); This variant has limited previous evidence of pathogenicity in unrelated individual(s). This variant has been classified as likely pathogenic by a clinical laboratory in ClinVar, and as pathogenic by the polycystic kidney disease database; Other canonical splice variant(s) comparable to the one identified in this case have very strong previous evidence for pathogenicity. c.3295+1G>C and c.3295+2T>G have been classified as likely pathogenic/pathogenic by clinical laboratories in ClinVar. Additionally, c.3295+2T>C and c.3295+1G>T have been reported in the literature in kidney disease cohorts (PMID: 37372416, 33532864); Abnormal splicing is predicted by in silico tool and affected nucleotide is highly conserved. Additional information: This variant is heterozygous; This gene is associated with autosomal dominant disease. Polycystic kidney disease 1 (MIM#173900) is predominantly caused by monoallelic variants, with rare reports of biallelic variants causing disease (OMIM); Loss of function is a known mechanism of disease in this gene and is associated with polycystic kidney disease 1 (MIM#173900); Inheritance information for this variant is not currently available in this individual.

Fulgent Genetics
Classification: Likely pathogenic for Polycystic kidney disease, adult type. Last evaluated: 2024-03-28. Review status: criteria provided, single submitter. Criteria: ACMG Guidelines, 2015. Collection method: clinical testing. Allele origin: germline.

Literature cited by the submitters: PubMed 37372416 (cited by Victorian Clinical Genetics Services, Murdoch Childrens Research Institute); PubMed 33532864 (cited by Victorian Clinical Genetics Services, Murdoch Childrens Research Institute).